The following is an entry in ClinVar:

ClinVar aggregate classification (germline): Pathogenic (1 of 4 stars; one submission).

Conditions:
Familial thoracic aortic aneurysm and aortic dissection (TAAD). Also called: Thoracic aortic aneurysms and dissections. Identifiers: Orphanet 91387, MedGen C4707243, MONDO:0019625.
Marfan syndrome (MFS). Also called: FBN1-Related Marfan Syndrome; Marfan's syndrome; MARFAN SYNDROME, TYPE I; Marfan syndrome type 1; Marfan syndrome, classic. Identifiers: Orphanet 284963, Orphanet 558, MedGen C0024796, MONDO:0007947, OMIM 154700.

Submission:

Labcorp Genetics (formerly Invitae), Labcorp
Classification: Pathogenic for Marfan syndrome; Familial thoracic aortic aneurysm and aortic dissection. Last evaluated: 2019-02-26. Review status: criteria provided, single submitter. Criteria: Invitae Variant Classification Sherloc (09022015). Collection method: clinical testing. Allele origin: germline.
Comment: This variant is a gross deletion of the genomic region encompassing exons 39-66 of the FBN1 gene. The 5' boundary is likely confined to intron 38. The 3' end of this event is unknown as it extends through the termination codon beyond the assayed region for this gene and may encompass additional genes. While this deletion is not anticipated to result in nonsense mediated decay, it is expected to create a truncated protein product or disrupt mRNA translation. This variant affects a cysteine residue in the EGF-like, TGFBP or hybrid motif domains of FBN1. Cysteine residues are believed to be involved in intramolecular disulfide bridges and have been shown to be important for FBN1 protein structure (PMID: 16905551, 19349279). In addition, missense substitutions affecting cysteine residues within these domains are significantly overrepresented among patients with Marfan syndrome (PMID: 16571647, 17701892). For these reasons, this variant has been classified as Pathogenic.

Literature cited by the submitters: PubMed 16905551; PubMed 19349279; PubMed 16571647; PubMed 17701892.

NC_000015.10:g.(?_48410980)_(48465868_?)del

Gene: FBN1 (fibrillin 1; minus strand). Cytogenetic location: 15q21.1.
Variant type: Deletion.
Identifiers: ClinVar variation 830994 (VCV000830994.7).